The following is an entry in ClinVar:

NM_000443.4(ABCB4):c.749C>T (p.Ala250Val)

Gene: ABCB4 (ATP binding cassette subfamily B member 4; minus strand). Cytogenetic location: 7q21.12.
Variant type: single nucleotide variant.
Coding change: c.749C>T on transcript NM_000443.4 (MANE Select); coding-DNA position 749, C replaced by T.
Protein change: p.Ala250Val; replaces alanine 250 with valine.
Molecular consequence: missense variant.
Genome position (GRCh38, 1-based): chr7:87,450,052, G>A on the plus strand (C>T on the coding strand, the complement: ABCB4 is on the minus strand). VCF-style: chr7-87450052-G-A. GRCh37 (hg19) VCF-style: chr7-87079368-G-A.
Other names: c.749C>T, p.Ala250Val (NM_018850.3, NM_018849.3); short protein forms A250V.
Identifiers: ClinVar variation 4847675 (VCV004847675.1).

ClinVar aggregate classification (germline): Uncertain significance (1 of 4 stars; one submission).

Submission:

Women's Health and Genetics/Laboratory Corporation of America, LabCorp
Classification: Uncertain significance. Last evaluated: 2026-03-26. Review status: criteria provided, single submitter. Criteria: LabCorp Variant Classification Summary - May 2015. Collection method: clinical testing. Allele origin: germline.
Comment: Variant summary: ABCB4 c.749C>T (p.Ala250Val) results in a non-conservative amino acid change in the encoded protein sequence. Algorithms developed to predict the effect of missense changes on protein structure and function all suggest that this variant is likely to be disruptive. The variant was absent in 251178 control chromosomes. The available data on variant occurrences in the general population are insufficient to allow any conclusion about variant significance. To our knowledge, no occurrence of c.749C>T in individuals affected with ABCB4-related conditions and no experimental evidence demonstrating its impact on protein function have been reported. No submitters have cited clinical-significance assessments for this variant to ClinVar. Based on the evidence outlined above, the variant was classified as uncertain significance.